The following is an entry in ClinVar:

NM_001318895.3(FHL2):c.56A>G (p.Tyr19Cys)

Gene: FHL2 (four and a half LIM domains 2; minus strand). Cytogenetic location: 2q12.2.
Variant type: single nucleotide variant.
Coding change: c.56A>G on transcript NM_001318895.3 (MANE Select); coding-DNA position 56, A replaced by G.
Protein change: p.Tyr19Cys; replaces tyrosine 19 with cysteine.
Molecular consequence: missense variant. On other transcripts: 5 prime UTR variant (3).
Genome position (GRCh38, 1-based): chr2:105,386,461, T>C on the plus strand (A>G on the coding strand, the complement: FHL2 is on the minus strand). VCF-style: chr2-105386461-T-C. GRCh37 (hg19) VCF-style: chr2-106002918-T-C.
Other names: c.56A>G, p.Tyr19Cys (NM_001039492.3, NM_001318894.1, NM_001318896.2 and 4 more transcripts); c.-112A>G (NM_001318897.2, NM_001318898.2); c.-391A>G (NM_001318899.2); c.56A>G (NM_201555.1); short protein forms Y19C.
Identifiers: ClinVar variation 2142916 (VCV002142916.5), dbSNP rs768464093, ClinGen allele CA348100573.
Genomic context (GRCh38, chr2:105,386,461, plus strand): 5'-GTGTTGGCGAACAGGGTCTCAAAGCACACCACGCAGTAGGGGCTCTCCTCCCGCAGGATG[T>C]ACTTCTTGCCAAAGAGAGATTCGTTGCAATGGTGGCAGTCAAAGCGCTCAGTCATTTTGA-3'
Protein context (NP_001305824.1, residues 9-29): HCNESLFGKK[Tyr19Cys]ILREESPYCV

ClinVar aggregate classification (germline): Uncertain significance. Review status: criteria provided, multiple submitters, no conflicts (2 of 4 stars). 2 submissions from 2 submitters: Uncertain significance (2). Last evaluated 2024-10-03.

Conditions:
Primary dilated cardiomyopathy (DCM). Also called: Dilated Cardiomyopathy. Identifiers: Orphanet 217604, MedGen C0007193, MeSH D002311, MONDO:0005021, HP:0001644. Inheritance: Various modes of inheritance.

Allele frequency attached by ClinVar (database versions not stated): gnomAD 0.00002.
gnomAD v4.1: 7 of 1,614,116 alleles (0.00043%); highest among the groups gnomAD compares: African/African-American, 0.004%; no homozygotes.

Submissions (2):

Ambry Genetics
Classification: Uncertain significance. Last evaluated: 2024-10-03. Review status: criteria provided, single submitter. Criteria: Ambry Variant Classification Scheme 2023. Collection method: clinical testing. Allele origin: germline.

Labcorp Genetics (formerly Invitae), Labcorp
Classification: Uncertain significance for Primary dilated cardiomyopathy. Last evaluated: 2022-06-26. Review status: criteria provided, single submitter. Criteria: Invitae Variant Classification Sherloc (09022015). Collection method: clinical testing. Allele origin: germline.
Comment: This sequence change replaces tyrosine, which is neutral and polar, with cysteine, which is neutral and slightly polar, at codon 19 of the FHL2 protein (p.Tyr19Cys). This variant is not present in population databases (gnomAD no frequency). This variant has not been reported in the literature in individuals affected with FHL2-related conditions. Algorithms developed to predict the effect of missense changes on protein structure and function are either unavailable or do not agree on the potential impact of this missense change (SIFT: "Deleterious"; PolyPhen-2: "Probably Damaging"; Align-GVGD: "Class C0"). In summary, the available evidence is currently insufficient to determine the role of this variant in disease. Therefore, it has been classified as a Variant of Uncertain Significance.